The following is an entry in ClinVar:

NM_007294.4(BRCA1):c.3997dup (p.Val1333fs)

Genes: BRCA1 (BRCA1 DNA repair associated; minus strand), LOC126862571 (BRD4-independent group 4 enhancer GRCh37_chr17:41243136-41244335; plus strand). Cytogenetic location: 17q21.31.
Variant type: Duplication.
Coding change: c.3997dup on transcript NM_007294.4 (MANE Select); coding-DNA position 3997, one base duplicated (G; older notation c.3997dupG).
Protein change: p.Val1333fs; shifts the reading frame from valine 1333.
Molecular consequence: frameshift variant. On other transcripts: intron variant (135).
Genome position (GRCh38, 1-based): chr17:43,091,534, C duplicated on the plus strand (G on the coding strand, the reverse complement: BRCA1 is on the minus strand). VCF-style (leftmost placement, unchanged base first): chr17-43091533-A-AC. GRCh37 (hg19) VCF-style: chr17-41243550-A-AC.
Other names: c.3784dup, p.Val1262fs (NM_001407571.1, NM_001407853.1, NM_001407894.1 and 9 more transcripts); c.3997dup, p.Val1333fs (NM_001407581.1, NM_001407582.1, NM_001407583.1 and 30 more transcripts); c.3994dup, p.Val1332fs (NM_001407587.1, NM_001407590.1, NM_001407591.1 and 22 more transcripts); c.3988dup, p.Val1330fs (NM_001407646.1, NM_001407647.1); c.3874dup, p.Val1292fs (NM_001407648.1, NM_001407664.1, NM_001407665.1 and 19 more transcripts); c.3871dup, p.Val1291fs (NM_001407649.1, NM_001407670.1, NM_001407671.1 and 11 more transcripts); c.3919dup, p.Val1307fs (NM_001407653.1, NM_001407654.1, NM_001407655.1 and 4 more transcripts); c.3916dup, p.Val1306fs (NM_001407659.1, NM_001407660.1, NM_001407661.1 and 1 more transcripts); and 41 more; short protein forms V1286fs, V1333fs, V1037fs, V1165fs, V1206fs, V1222fs, V1265fs, V1306fs.
Identifiers: ClinVar variation 2091963 (VCV002091963.4), dbSNP rs2552114596, ClinGen allele CA2580094257.

ClinVar aggregate classification (germline): Pathogenic (1 of 4 stars; one submission).

Conditions:
Hereditary breast ovarian cancer syndrome. Also called: Hereditary breast and ovarian cancer syndrome; Breast and ovarian cancer; BRCA1- and BRCA2-Associated Hereditary Breast and Ovarian Cancer; Hereditary breast and ovarian cancer syndrome (HBOC); Hereditary breast and ovarian cancer; Hereditary breast and/or ovarian cancer syndrome. Identifiers: Orphanet 145, MedGen C0677776, MeSH D061325, MONDO:0003582. Disease mechanism: loss of function.

Submission:

Labcorp Genetics (formerly Invitae), Labcorp
Classification: Pathogenic for Hereditary breast ovarian cancer syndrome. Last evaluated: 2022-02-02. Review status: criteria provided, single submitter. Criteria: Invitae Variant Classification Sherloc (09022015). Collection method: clinical testing. Allele origin: germline.
Comment: For these reasons, this variant has been classified as Pathogenic. Algorithms developed to predict the effect of sequence changes on RNA splicing suggest that this variant may create or strengthen a splice site. This variant has not been reported in the literature in individuals affected with BRCA1-related conditions. This variant is not present in population databases (gnomAD no frequency). This sequence change creates a premature translational stop signal (p.Val1333Glyfs*5) in the BRCA1 gene. It is expected to result in an absent or disrupted protein product. Loss-of-function variants in BRCA1 are known to be pathogenic (PMID: 20104584).

Literature cited by the submitters: PubMed 20104584.